The following is an entry in ClinVar:

ClinVar aggregate classification (germline): Uncertain significance (1 of 4 stars; one submission).

Conditions:
Epilepsy, familial focal, with variable foci 3 (FFEVF3). Identifiers: MedGen C4310708, MONDO:0014925, OMIM 617118.

Submission:

Labcorp Genetics (formerly Invitae), Labcorp
Classification: Uncertain significance for Epilepsy, familial focal, with variable foci 3. Last evaluated: 2023-10-05. Review status: criteria provided, single submitter. Criteria: Invitae Variant Classification Sherloc (09022015). Collection method: clinical testing. Allele origin: germline.
Comment: This sequence change creates a premature translational stop signal (p.Val552Trpfs*2) in the NPRL3 gene. While this is not anticipated to result in nonsense mediated decay, it is expected to disrupt the last 18 amino acid(s) of the NPRL3 protein. This variant is not present in population databases (gnomAD no frequency). This variant has not been reported in the literature in individuals affected with NPRL3-related conditions. In summary, the available evidence is currently insufficient to determine the role of this variant in disease. Therefore, it has been classified as a Variant of Uncertain Significance.

NM_001077350.3(NPRL3):c.1654del (p.Val552fs)

Gene: NPRL3 (NPR3 like, GATOR1 complex subunit; minus strand). Cytogenetic location: 16p13.3.
Variant type: Deletion.
Coding change: c.1654del on transcript NM_001077350.3 (MANE Select); coding-DNA position 1654, one base deleted (G; older notation c.1654delG).
Protein change: p.Val552fs; shifts the reading frame from valine 552.
Molecular consequence: frameshift variant.
Genome position (GRCh38, 1-based): chr16:86,761, C deleted on the plus strand (G on the coding strand, the reverse complement: NPRL3 is on the minus strand); the first of 2 consecutive C bases (chr16:86,761-86,762); deleting either gives the same sequence. VCF-style (leftmost placement, unchanged base first): chr16-86760-AC-A. GRCh37 (hg19) VCF-style: chr16-136759-AC-A.
Other names: c.1117del, p.Val373fs (NM_001039476.3); c.1420del, p.Val474fs (NM_001243247.2); c.1579del, p.Val527fs (NM_001243248.2, NM_001243249.2); short protein forms V474fs, V527fs, V552fs, V373fs.
Identifiers: ClinVar variation 2726601 (VCV002726601.3), dbSNP rs2542791193, ClinGen allele CA2697549423.